The following is an entry in ClinVar:

ClinVar aggregate classification (germline): Benign/Likely benign. Review status: criteria provided, multiple submitters, no conflicts (2 of 4 stars). 3 submissions from 3 submitters: Benign (1); Likely benign (1). 1 of the submissions does not count toward it. Last evaluated 2025-08-15.

Conditions:
GRM7-related disorder. Also called: GRM7-related condition.

Allele frequency attached by ClinVar (database versions not stated): TOPMed 0.00006; gnomAD 0.00028; gnomAD exomes 0.00045; 1000 Genomes Project 0.00100; ExAC 0.00110; 1000 Genomes Project 30x 0.00156.
gnomAD v4.1: 714 of 1,614,142 alleles (0.044%); highest among the groups gnomAD compares: South Asian, 0.73%; 7 homozygotes.

Submissions (3):

Labcorp Genetics (formerly Invitae), Labcorp
Classification: Benign. Last evaluated: 2025-08-15. Review status: criteria provided, single submitter. Criteria: Invitae Variant Classification Sherloc (09022015). Collection method: clinical testing. Allele origin: germline.

CeGaT Center for Human Genetics Tuebingen
Classification: Likely benign. Last evaluated: 2025-07-01. Review status: criteria provided, single submitter. Criteria: CeGaT Center For Human Genetics Tuebingen Variant Classification Criteria Version 2. Collection method: clinical testing. Allele origin: germline. Affected: yes. Observed: 5 variant alleles.
Comment: GRM7: BP4, BP7

PreventionGenetics, part of Exact Sciences
Classification: Benign for GRM7-related condition. Last evaluated: 2019-09-25. Review status: no assertion criteria provided. Collection method: clinical testing. Allele origin: germline. Not counted in ClinVar's aggregate classification.
Comment: This variant is classified as benign based on ACMG/AMP sequence variant interpretation guidelines (Richards et al. 2015 PMID: 25741868, with internal and published modifications).

NM_000844.4(GRM7):c.300G>T (p.Thr100=)

Gene: GRM7 (glutamate metabotropic receptor 7; plus strand). Cytogenetic location: 3p26.1.
Variant type: single nucleotide variant.
Coding change: c.300G>T on transcript NM_000844.4 (MANE Select); coding-DNA position 300, G replaced by T.
Protein change: p.Thr100=; no amino-acid change (threonine 100 retained).
Molecular consequence: synonymous variant.
Genome position (GRCh38, 1-based): chr3:6,861,688, G>T. VCF-style: chr3-6861688-G-T. GRCh37 (hg19) VCF-style: chr3-6903375-G-T.
Other names: c.300G>T, p.Thr100= (NM_181874.3); c.300G>T (NM_000844.3).
Identifiers: ClinVar variation 2653462 (VCV002653462.28), dbSNP rs555598605, ClinGen allele CA2234555.